The following is an entry in ClinVar:

ClinVar aggregate classification (germline): Uncertain significance (1 of 4 stars; one submission).

Allele frequency attached by ClinVar (database versions not stated): gnomAD 0.00001.

Submission:

Labcorp Genetics (formerly Invitae), Labcorp
Classification: Uncertain significance. Last evaluated: 2023-12-07. Review status: criteria provided, single submitter. Criteria: Invitae Variant Classification Sherloc (09022015). Collection method: clinical testing. Allele origin: germline.
Comment: This sequence change replaces aspartic acid, which is acidic and polar, with asparagine, which is neutral and polar, at codon 344 of the LIPN protein (p.Asp344Asn). This variant is present in population databases (rs778704113, gnomAD 0.0009%). This variant has not been reported in the literature in individuals affected with LIPN-related conditions. An algorithm developed to predict the effect of missense changes on protein structure and function (PolyPhen-2) suggests that this variant is likely to be disruptive. In summary, the available evidence is currently insufficient to determine the role of this variant in disease. Therefore, it has been classified as a Variant of Uncertain Significance.

NM_001102469.2(LIPN):c.1030G>A (p.Asp344Asn)

Gene: LIPN (lipase family member N; plus strand). Cytogenetic location: 10q23.31.
Variant type: single nucleotide variant.
Coding change: c.1030G>A on transcript NM_001102469.2 (MANE Select); coding-DNA position 1030, G replaced by A.
Protein change: p.Asp344Asn; replaces aspartic acid 344 with asparagine.
Molecular consequence: missense variant.
Genome position (GRCh38, 1-based): chr10:88,778,075, G>A. VCF-style: chr10-88778075-G-A. GRCh37 (hg19) VCF-style: chr10-90537832-G-A.
Other names: short protein forms D344N.
Identifiers: ClinVar variation 2964882 (VCV002964882.3), dbSNP rs778704113, ClinGen allele CA5592037.